The following is an entry in ClinVar:

NM_030912.3(TRIM8):c.878C>T (p.Thr293Met)

Gene: TRIM8 (tripartite motif containing 8; plus strand). Cytogenetic location: 10q24.32.
Variant type: single nucleotide variant.
Coding change: c.878C>T on transcript NM_030912.3 (MANE Select); coding-DNA position 878, C replaced by T.
Protein change: p.Thr293Met; replaces threonine 293 with methionine.
Molecular consequence: missense variant. On other transcripts: non-coding transcript variant (1).
Genome position (GRCh38, 1-based): chr10:102,655,291, C>T. VCF-style: chr10-102655291-C-T. GRCh37 (hg19) VCF-style: chr10-104415048-C-T.
Other names: c.782C>T, p.Thr261Met (NM_001345950.1); short protein forms T293M, T261M.
Identifiers: ClinVar variation 2713177 (VCV002713177.3), dbSNP rs753886521, ClinGen allele CA5668177.

ClinVar aggregate classification (germline): Uncertain significance (1 of 4 stars; one submission).

Allele frequency attached by ClinVar (database versions not stated): gnomAD 0.00002; TOPMed 0.00002; ExAC 0.00003; gnomAD exomes 0.00003.
gnomAD v4.1: 44 of 1,602,978 alleles (0.0027%); highest among the groups gnomAD compares: South Asian, 0.0033%; no homozygotes.

Submission:

Labcorp Genetics (formerly Invitae), Labcorp
Classification: Uncertain significance. Last evaluated: 2025-01-30. Review status: criteria provided, single submitter. Criteria: Invitae Variant Classification Sherloc (09022015). Collection method: clinical testing. Allele origin: germline.
Comment: This sequence change replaces threonine, which is neutral and polar, with methionine, which is neutral and non-polar, at codon 293 of the TRIM8 protein (p.Thr293Met). This variant is present in population databases (rs753886521, gnomAD 0.003%). This variant has not been reported in the literature in individuals affected with TRIM8-related conditions. ClinVar contains an entry for this variant (Variation ID: 2713177). An algorithm developed to predict the effect of missense changes on protein structure and function (PolyPhen-2) suggests that this variant is likely to be disruptive. In summary, the available evidence is currently insufficient to determine the role of this variant in disease. Therefore, it has been classified as a Variant of Uncertain Significance.